The following is an entry in ClinVar:

NM_001267550.2(TTN):c.74582C>T (p.Ala24861Val)

Genes: TTN (titin; minus strand), TTN-AS1 (TTN antisense RNA 1; plus strand). Cytogenetic location: 2q31.2.
Variant type: single nucleotide variant.
Coding change: c.74582C>T on transcript NM_001267550.2 (MANE Select); coding-DNA position 74582, C replaced by T.
Protein change: p.Ala24861Val; replaces alanine 24861 with valine.
Molecular consequence: missense variant.
Genome position (GRCh38, 1-based): chr2:178,571,550, G>A on the plus strand (C>T on the coding strand, the complement: TTN is on the minus strand). VCF-style: chr2-178571550-G-A. GRCh37 (hg19) VCF-style: chr2-179436277-G-A.
Other names: c.74582C>T (NM_001267550.1); c.69659C>T, p.Ala23220Val (NM_001256850.1); c.47387C>T, p.Ala15796Val (NM_003319.4); c.66878C>T, p.Ala22293Val (NM_133378.4); c.47762C>T, p.Ala15921Val (NM_133432.3); c.47963C>T, p.Ala15988Val (NM_133437.4); short protein forms A22293V, A24861V, A15921V, A15988V, A15796V, A23220V.
Identifiers: ClinVar variation 497041 (VCV000497041.14), dbSNP rs149232991, ClinGen allele CA1990170.
Genomic context (GRCh38, chr2:178,571,550, plus strand): 5'-AACTGATATTCACATCCAGTCTTCAGTCTGCAAGCCTTTATTGTTGTCCTTGCAACTGTA[G>A]CTGATACAATTTGCCAGGTGGTTGTGGAAGTGTCCCGTTTCTCAACAATGTAATTATTGA-3'
Protein context (NP_001254479.2, residues 24851-24871): TSTTTWQIVS[Ala24861Val]TVARTTIKAC

ClinVar aggregate classification (germline): Conflicting classifications of pathogenicity. Review status: criteria provided, conflicting classifications (1 of 4 stars). 6 submissions from 6 submitters: Uncertain significance (5); Likely benign (1). Last evaluated 2025-04-09.

Conditions:
Cardiovascular phenotype. Identifiers: MedGen CN230736.

Allele frequency attached by ClinVar (database versions not stated): TOPMed 0.00008; 1000 Genomes Project 0.00040; 1000 Genomes Project 30x 0.00047; gnomAD exomes 0.00001 and 0.00002; ExAC 0.00003; gnomAD 0.00004 and 0.00005.
gnomAD v4.1: 20 of 1,613,232 alleles (0.0012%); highest among the groups gnomAD compares: African/African-American, 0.027%; no homozygotes.

Submissions (6):

Molecular Diagnostic Laboratory for Inherited Cardiovascular Disease, Montreal Heart Institute
Classification: Likely benign. Last evaluated: 2025-04-09. Review status: criteria provided, single submitter. Criteria: ACMG Guidelines, 2015. Collection method: clinical testing. Allele origin: germline. Affected: no.
Comment: BP1

Women's Health and Genetics/Laboratory Corporation of America, LabCorp
Classification: Uncertain significance. Last evaluated: 2025-02-10. Review status: criteria provided, single submitter. Criteria: LabCorp Variant Classification Summary - May 2015. Collection method: clinical testing. Allele origin: germline.

GeneDx
Classification: Uncertain significance. Last evaluated: 2024-11-12. Review status: criteria provided, single submitter. Criteria: GeneDx Variant Classification Process June 2021. Collection method: clinical testing. Allele origin: germline. Affected: yes.
Comment: Not observed at significant frequency in large population cohorts (gnomAD); Missense variant in a gene in which most reported pathogenic variants are truncating/loss of function; Has not been previously published as pathogenic or benign to our knowledge

Ambry Genetics
Classification: Uncertain significance for Cardiovascular phenotype. Last evaluated: 2020-03-03. Review status: criteria provided, single submitter. Criteria: Ambry Variant Classification Scheme 2023. Collection method: clinical testing. Allele origin: germline.
Comment: The p.A15796V variant (also known as c.47387C>T), located in coding exon 153 of the TTN gene, results from a C to T substitution at nucleotide position 47387. The alanine at codon 15796 is replaced by valine, an amino acid with similar properties. This amino acid position is well conserved in available vertebrate species. In addition, this alteration is predicted to be tolerated by in silico analysis. Since supporting evidence is limited at this time, the clinical significance of this alteration remains unclear.

Revvity Omics, Revvity
Classification: Uncertain significance. Last evaluated: 2019-07-30. Review status: criteria provided, single submitter. Criteria: ACMG Guidelines, 2015. Collection method: clinical testing. Allele origin: germline.

Eurofins Ntd Llc (ga)
Classification: Uncertain significance. Last evaluated: 2017-06-08. Review status: criteria provided, single submitter. Criteria: EGL Classification Definitions 2015. Collection method: clinical testing. Allele origin: germline. Observed: 2 variant alleles, 2 heterozygotes.